The following is an entry in ClinVar:

ClinVar aggregate classification (germline): Benign (1 of 4 stars; one submission).

Conditions:
Colorectal cancer, hereditary nonpolyposis, type 7. Identifiers: Orphanet 144, MedGen C1858380, MONDO:0013725, OMIM 614385.

gnomAD v4.1: 1 of 1,614,160 alleles (0.000062%); highest among the groups gnomAD compares: Non-Finnish European, 0.000085%; no homozygotes.

Submission:

Myriad Genetics, Inc.
Classification: Benign for Colorectal cancer, hereditary nonpolyposis, type 7. Last evaluated: 2026-09-18. Review status: criteria provided, single submitter. Criteria: Myriad Autosomal Dominant, Autosomal Recessive and X-Linked Classification Criteria (2023). Collection method: clinical testing. Allele origin: unknown.
Comment: This variant is considered benign. This variant is a silent/synonymous amino acid change and it is not expected to impact splicing.

NM_001040108.2(MLH3):c.4045T>C (p.Leu1349=)

Gene: MLH3 (mutL homolog 3; minus strand). Cytogenetic location: 14q24.3.
Variant type: single nucleotide variant.
Coding change: c.4045T>C on transcript NM_001040108.2 (MANE Select); coding-DNA position 4045, T replaced by C.
Protein change: p.Leu1349=; no amino-acid change (leucine 1349 retained).
Molecular consequence: synonymous variant.
Genome position (GRCh38, 1-based): chr14:75,022,859, A>G on the plus strand (T>C on the coding strand, the complement: MLH3 is on the minus strand). VCF-style: chr14-75022859-A-G. GRCh37 (hg19) VCF-style: chr14-75489562-A-G.
Other names: c.3973T>C, p.Leu1325= (NM_014381.3).
Identifiers: ClinVar variation 5042233 (VCV005042233.1).
Genomic context (GRCh38, chr14:75,022,859, plus strand): 5'-TGTTGAAGGGCTTACCATGGCAGGCTTGGGATGCCAACACCTTCTGGACAGTCAGTGGCA[A>G]TGTCCCTTGGATGCCTCCGGTGGTCTGGAGTAGCTAATGCATAAACACGTTATTAACAGG-3'
Protein context (NP_001035197.1, residues 1339-1359): LQTTGGIQGT[Leu1349=]PLTVQKVLAS